The following is an entry in ClinVar:

NM_015512.5(DNAH1):c.8085G>A (p.Lys2695=)

Gene: DNAH1 (dynein axonemal heavy chain 1; plus strand). Cytogenetic location: 3p21.1.
Variant type: single nucleotide variant.
Coding change: c.8085G>A on transcript NM_015512.5 (MANE Select); coding-DNA position 8085, G replaced by A.
Protein change: p.Lys2695=; no amino-acid change (lysine 2695 retained).
Molecular consequence: synonymous variant.
Genome position (GRCh38, 1-based): chr3:52,383,529, G>A. VCF-style: chr3-52383529-G-A. GRCh37 (hg19) VCF-style: chr3-52417545-G-A.
Identifiers: ClinVar variation 3057789 (VCV003057789.3), dbSNP rs773276457, ClinGen allele CA2435078.

ClinVar aggregate classification (germline): Likely benign. Review status: criteria provided, single submitter (1 of 4 stars). 2 submissions from 2 submitters: Likely benign (1). 1 of the submissions does not count toward it. Last evaluated 2025-10-02.

Conditions:
DNAH1-related disorder. Also called: DNAH1-related condition.
Spermatogenic failure 18. Identifiers: MedGen C4539783, MONDO:0054615, OMIM 617576.
Ciliary dyskinesia, primary, 37 (CILD37). Also called: CILIARY DYSKINESIA, PRIMARY, 37, WITH OR WITHOUT SITUS INVERSUS. Identifiers: MedGen C4539798, MONDO:0033204, OMIM 617577.

Allele frequency attached by ClinVar (database versions not stated): TOPMed 0.00001; gnomAD exomes 0.00001; ExAC 0.00003; gnomAD 0.00001.
gnomAD v4.1: 22 of 1,613,088 alleles (0.0014%); highest among the groups gnomAD compares: East Asian, 0.0089%; no homozygotes.

Submissions (2):

Labcorp Genetics (formerly Invitae), Labcorp
Classification: Likely benign for Ciliary dyskinesia, primary, 37; Spermatogenic failure 18. Last evaluated: 2025-10-02. Review status: criteria provided, single submitter. Criteria: Invitae Variant Classification Sherloc (09022015). Collection method: clinical testing. Allele origin: germline.

PreventionGenetics, part of Exact Sciences
Classification: Likely benign for DNAH1-related condition. Last evaluated: 2019-03-06. Review status: no assertion criteria provided. Collection method: clinical testing. Allele origin: germline. Not counted in ClinVar's aggregate classification.
Comment: This variant is classified as likely benign based on ACMG/AMP sequence variant interpretation guidelines (Richards et al. 2015 PMID: 25741868, with internal and published modifications).